The following is an entry in ClinVar:

NM_000535.7(PMS2):c.569C>T (p.Ala190Val)

Gene: PMS2 (PMS1 homolog 2, mismatch repair system component; minus strand). Cytogenetic location: 7p22.1.
Variant type: single nucleotide variant.
Coding change: c.569C>T on transcript NM_000535.7 (MANE Select); coding-DNA position 569, C replaced by T.
Protein change: p.Ala190Val; replaces alanine 190 with valine.
Molecular consequence: missense variant. On other transcripts: non-coding transcript variant (1), intron variant (9).
Genome position (GRCh38, 1-based): chr7:5,999,244, G>A on the plus strand (C>T on the coding strand, the complement: PMS2 is on the minus strand). VCF-style: chr7-5999244-G-A. GRCh37 (hg19) VCF-style: chr7-6038875-G-A.
Other names: c.164C>T, p.Ala55Val (NM_001018040.1, NM_001322003.2, NM_001322004.2 and 22 more transcripts); c.569C>T, p.Ala190Val (NM_001322006.2, NM_001322014.2, NM_001406869.1 and 5 more transcripts); c.251C>T, p.Ala84Val (NM_001322007.2, NM_001322008.2, NM_001406876.1 and 4 more transcripts); c.260C>T, p.Ala87Val (NM_001322015.2, NM_001406875.1, NM_001406877.1 and 6 more transcripts); c.755C>T, p.Ala252Val (NM_001406866.1); c.593C>T, p.Ala198Val (NM_001406868.1); c.132+3209C>T (NM_001406911.1); c.133-1821C>T (NM_001322013.2, NM_001406909.1); and 4 more; short protein forms A55V, A190V, A198V, A252V, A84V, A87V.
Identifiers: ClinVar variation 2451593 (VCV002451593.5), dbSNP rs2128801738, ClinGen allele CA366744070.

ClinVar aggregate classification (germline): Uncertain significance. Review status: criteria provided, multiple submitters, no conflicts (2 of 4 stars). 2 submissions from 2 submitters: Uncertain significance (2). Last evaluated 2025-09-10.

Conditions:
Hereditary cancer-predisposing syndrome. Also called: Neoplastic Syndromes, Hereditary; Tumor predisposition; Hereditary neoplastic syndrome; Hereditary Cancer Syndrome. Identifiers: Orphanet 140162, MedGen C0027672, MeSH D009386, MONDO:0015356.
Hereditary nonpolyposis colorectal neoplasms. Identifiers: MedGen C0009405, MeSH D003123.

Submissions (2):

Labcorp Genetics (formerly Invitae), Labcorp
Classification: Uncertain significance for Hereditary nonpolyposis colorectal neoplasms. Last evaluated: 2025-09-10. Review status: criteria provided, single submitter. Criteria: Invitae Variant Classification Sherloc (09022015). Collection method: clinical testing. Allele origin: germline.
Comment: This sequence change replaces alanine, which is neutral and non-polar, with valine, which is neutral and non-polar, at codon 190 of the PMS2 protein (p.Ala190Val). This variant is not present in population databases (gnomAD no frequency). This variant has not been reported in the literature in individuals affected with PMS2-related conditions. ClinVar contains an entry for this variant (Variation ID: 2451593). Invitae Evidence Modeling of protein sequence and biophysical properties (such as structural, functional, and spatial information, amino acid conservation, physicochemical variation, residue mobility, and thermodynamic stability) indicates that this missense variant is expected to disrupt PMS2 protein function with a positive predictive value of 80%. Algorithms developed to predict the effect of sequence changes on RNA splicing suggest that this variant may disrupt the consensus splice site. In summary, the available evidence is currently insufficient to determine the role of this variant in disease. Therefore, it has been classified as a Variant of Uncertain Significance.

Ambry Genetics
Classification: Uncertain significance for Hereditary cancer-predisposing syndrome. Last evaluated: 2022-12-03. Review status: criteria provided, single submitter. Criteria: Ambry Variant Classification Scheme 2023. Collection method: clinical testing. Allele origin: germline.
Comment: The p.A190V variant (also known as c.569C>T), located in coding exon 6 of the PMS2 gene, results from a C to T substitution at nucleotide position 569. The alanine at codon 190 is replaced by valine, an amino acid with similar properties. This amino acid position is conserved. In addition, this alteration is predicted to be deleterious by in silico analysis. Since supporting evidence is limited at this time, the clinical significance of this alteration remains unclear.